The following is an entry in ClinVar:

NM_015488.5(PNKD):c.1115T>C (p.Leu372Pro)

Genes: CATIP-AS2 (CATIP antisense RNA 2; minus strand), PNKD (PNKD metallo-beta-lactamase domain containing; plus strand). Cytogenetic location: 2q35.
Variant type: single nucleotide variant.
Coding change: c.1115T>C on transcript NM_015488.5 (MANE Select); coding-DNA position 1115, T replaced by C.
Protein change: p.Leu372Pro; replaces leucine 372 with proline.
Molecular consequence: missense variant.
Genome position (GRCh38, 1-based): chr2:218,344,938, T>C. VCF-style: chr2-218344938-T-C. GRCh37 (hg19) VCF-style: chr2-219209661-T-C.
Other names: c.1043T>C, p.Leu348Pro (NM_022572.5); short protein forms L348P, L372P.
Identifiers: ClinVar variation 931660 (VCV000931660.3), dbSNP rs1694789383, ClinGen allele CA350544009.

ClinVar aggregate classification (germline): Uncertain significance (1 of 4 stars; one submission).

Conditions:
Paroxysmal nonkinesigenic dyskinesia 1 (PNKD1). Also called: PxMD-PNKD; MOUNT-REBACK SYNDROME; PAROXYSMAL DYSTONIC CHOREOATHETOSIS; Familial Paroxysmal Nonkinesigenic Dyskinesia; Nonkinesigenic choreoathetosis; Familial paroxysmal choreoathetosis. Identifiers: Orphanet 98810, MedGen C4551506, MONDO:0700089, OMIM 118800, MONDO:0007326.

Submission:

Centre for Mendelian Genomics, University Medical Centre Ljubljana
Classification: Uncertain significance for Paroxysmal nonkinesigenic dyskinesia 1. Last evaluated: 2019-07-25. Review status: criteria provided, single submitter. Criteria: ACMG Guidelines, 2015. Collection method: clinical testing. Allele origin: unknown. Affected: yes.
Comment: This variant was classified as: Uncertain significance. The available evidence on this variant's pathogenicity is insufficient or conflicting. The following ACMG criteria were applied in classifying this variant: PM2.